The following is an entry in ClinVar:

NM_201384.3(PLEC):c.4894G>A (p.Glu1632Lys)

Gene: PLEC (plectin; minus strand). Cytogenetic location: 8q24.3.
Variant type: single nucleotide variant.
Coding change: c.4894G>A on transcript NM_201384.3 (MANE Select); coding-DNA position 4894, G replaced by A.
Protein change: p.Glu1632Lys; replaces glutamic acid 1632 with lysine.
Molecular consequence: missense variant. On other transcripts: intron variant (1).
Genome position (GRCh38, 1-based): chr8:143,925,035, C>T on the plus strand (G>A on the coding strand, the complement: PLEC is on the minus strand). VCF-style: chr8-143925035-C-T. GRCh37 (hg19) VCF-style: chr8-144999203-C-T.
Other names: c.4975G>A, p.Glu1659Lys (NM_000445.5); c.4852G>A, p.Glu1618Lys (NM_201378.4); c.4828G>A, p.Glu1610Lys (NM_201379.3); c.5305G>A, p.Glu1769Lys (NM_201380.4); c.4798G>A, p.Glu1600Lys (NM_201381.3); c.4894G>A, p.Glu1632Lys (NM_201382.4); c.4906G>A, p.Glu1636Lys (NM_201383.3); c.4125+1749G>A (NM_001410941.1); short protein forms E1600K, E1610K, E1618K, E1632K, E1636K, E1659K, E1769K.
Identifiers: ClinVar variation 4534859 (VCV004534859.6).

ClinVar aggregate classification (germline): Uncertain significance (1 of 4 stars; one submission).

gnomAD v4.1: 1 of 1,560,846 alleles (0.000064%); highest among the groups gnomAD compares: Non-Finnish European, 0.000086%; no homozygotes.

Submission:

CeGaT Center for Human Genetics Tuebingen
Classification: Uncertain significance. Last evaluated: 2025-10-01. Review status: criteria provided, single submitter. Criteria: CeGaT Center For Human Genetics Tuebingen Variant Classification Criteria Version 2. Collection method: clinical testing. Allele origin: germline. Affected: yes. Observed: 1 variant allele.
Comment: PLEC: PM2, PP3